The following is an entry in ClinVar:

NM_020738.4(KIDINS220):c.4657C>T (p.Pro1553Ser)

Gene: KIDINS220 (kinase D interacting substrate 220; minus strand). Cytogenetic location: 2p25.1.
Variant type: single nucleotide variant.
Coding change: c.4657C>T on transcript NM_020738.4 (MANE Select); coding-DNA position 4657, C replaced by T.
Protein change: p.Pro1553Ser; replaces proline 1553 with serine.
Molecular consequence: missense variant. On other transcripts: intron variant (6).
Genome position (GRCh38, 1-based): chr2:8,731,379, G>A on the plus strand (C>T on the coding strand, the complement: KIDINS220 is on the minus strand). VCF-style: chr2-8731379-G-A. GRCh37 (hg19) VCF-style: chr2-8871509-G-A.
Other names: c.4660C>T, p.Pro1554Ser (NM_001348729.2); c.4603C>T, p.Pro1535Ser (NM_001348731.2); c.4600C>T, p.Pro1534Ser (NM_001348732.2); c.4489C>T, p.Pro1497Ser (NM_001348734.2); c.4486C>T, p.Pro1496Ser (NM_001348735.2); c.4360C>T, p.Pro1454Ser (NM_001348736.2); c.3882+2065C>T (NM_001348741.2, NM_001348742.2, NM_001348743.2); c.3996+2065C>T (NM_001348738.2); and 1 more; short protein forms P1535S, P1496S, P1534S, P1454S, P1553S, P1497S, P1554S.
Identifiers: ClinVar variation 4706353 (VCV004706353.1).

ClinVar aggregate classification (germline): Uncertain significance (1 of 4 stars; one submission).

gnomAD v4.1: 5 of 1,614,152 alleles (0.00031%); highest among the groups gnomAD compares: Non-Finnish European, 0.00042%; no homozygotes.

Submission:

Labcorp Genetics (formerly Invitae), Labcorp
Classification: Uncertain significance. Last evaluated: 2025-02-11. Review status: criteria provided, single submitter. Criteria: Invitae Variant Classification Sherloc (09022015). Collection method: clinical testing. Allele origin: germline.
Comment: This sequence change replaces proline, which is neutral and non-polar, with serine, which is neutral and polar, at codon 1553 of the KIDINS220 protein (p.Pro1553Ser). This variant is present in population databases (rs375631503, gnomAD 0.0009%). This variant has not been reported in the literature in individuals affected with KIDINS220-related conditions. An algorithm developed to predict the effect of missense changes on protein structure and function outputs the following: PolyPhen-2: "Benign". The serine amino acid residue is found in multiple mammalian species, which suggests that this missense change does not adversely affect protein function. In summary, the available evidence is currently insufficient to determine the role of this variant in disease. Therefore, it has been classified as a Variant of Uncertain Significance.